The following is an entry in ClinVar:

NM_007118.4(TRIO):c.7953G>A (p.Arg2651=)

Gene: TRIO (trio Rho guanine nucleotide exchange factor; plus strand). Cytogenetic location: 5p15.2.
Variant type: single nucleotide variant.
Coding change: c.7953G>A on transcript NM_007118.4 (MANE Select); coding-DNA position 7953, G replaced by A.
Protein change: p.Arg2651=; no amino-acid change (arginine 2651 retained).
Molecular consequence: synonymous variant. On other transcripts: non-coding transcript variant (1).
Genome position (GRCh38, 1-based): chr5:14,496,951, G>A. VCF-style: chr5-14496951-G-A. GRCh37 (hg19) VCF-style: chr5-14497060-G-A.
Identifiers: ClinVar variation 1247759 (VCV001247759.3), dbSNP rs534719045, ClinGen allele CA3207671.

ClinVar aggregate classification (germline): Benign/Likely benign. Review status: criteria provided, multiple submitters, no conflicts (2 of 4 stars). 2 submissions from 2 submitters: Benign (1); Likely benign (1). Last evaluated 2026-07-01.

Allele frequency attached by ClinVar (database versions not stated): TOPMed 0.00006; gnomAD 0.00021; gnomAD exomes 0.00036 and 0.00077; ExAC 0.00095; 1000 Genomes Project 30x 0.00156; 1000 Genomes Project 0.00160.
gnomAD v4.1: 561 of 1,614,200 alleles (0.035%); highest among the groups gnomAD compares: South Asian, 0.58%; 7 homozygotes.

Submissions (2):

CeGaT Center for Human Genetics Tuebingen
Classification: Likely benign. Last evaluated: 2026-07-01. Review status: criteria provided, single submitter. Criteria: CeGaT Center For Human Genetics Tuebingen Variant Classification Criteria Version 2. Collection method: clinical testing. Allele origin: germline. Affected: yes. Observed: 1 variant allele.
Comment: TRIO: BP4, BP7, BS1

GeneDx
Classification: Benign. Last evaluated: 2021-04-06. Review status: criteria provided, single submitter. Criteria: GeneDx Variant Classification Process June 2021. Collection method: clinical testing. Allele origin: germline. Affected: yes.